The following is an entry in ClinVar:

ClinVar aggregate classification (germline): Likely benign (0 of 4 stars; one submission).

Conditions:
ACOX2-related disorder. Also called: ACOX2-related condition.

Allele frequency attached by ClinVar (database versions not stated): TOPMed below 0.00001; gnomAD exomes 0.00001; ExAC 0.00002; gnomAD 0.00003; 1000 Genomes Project 0.00040; 1000 Genomes Project 30x 0.00047.
gnomAD v4.1: 21 of 1,614,182 alleles (0.0013%); highest among the groups gnomAD compares: South Asian, 0.012%; no homozygotes.

Submission:

PreventionGenetics, part of Exact Sciences
Classification: Likely benign for ACOX2-related condition. Last evaluated: 2023-10-20. Review status: no assertion criteria provided. Collection method: clinical testing. Allele origin: germline.
Comment: This variant is classified as likely benign based on ACMG/AMP sequence variant interpretation guidelines (Richards et al. 2015 PMID: 25741868, with internal and published modifications).

NM_003500.4(ACOX2):c.1932C>T (p.Asn644=)

Gene: ACOX2 (acyl-CoA oxidase 2; minus strand). Cytogenetic location: 3p14.3.
Variant type: single nucleotide variant.
Coding change: c.1932C>T on transcript NM_003500.4 (MANE Select); coding-DNA position 1932, C replaced by T.
Protein change: p.Asn644=; no amino-acid change (asparagine 644 retained).
Molecular consequence: synonymous variant.
Genome position (GRCh38, 1-based): chr3:58,508,944, G>A on the plus strand (C>T on the coding strand, the complement: ACOX2 is on the minus strand). VCF-style: chr3-58508944-G-A. GRCh37 (hg19) VCF-style: chr3-58494671-G-A.
Identifiers: ClinVar variation 3036929 (VCV003036929.2), dbSNP rs573721661, ClinGen allele CA2471894.